The following is an entry in ClinVar:

NM_001367561.1(DOCK7):c.4013A>G (p.Asn1338Ser)

Gene: DOCK7 (dedicator of cytokinesis 7; minus strand). Cytogenetic location: 1p31.3.
Variant type: single nucleotide variant.
Coding change: c.4013A>G on transcript NM_001367561.1 (MANE Select); coding-DNA position 4013, A replaced by G.
Protein change: p.Asn1338Ser; replaces asparagine 1338 with serine.
Molecular consequence: missense variant.
Genome position (GRCh38, 1-based): chr1:62,513,822, T>C on the plus strand (A>G on the coding strand, the complement: DOCK7 is on the minus strand). VCF-style: chr1-62513822-T-C. GRCh37 (hg19) VCF-style: chr1-62979493-T-C.
Other names: c.4013A>G, p.Asn1338Ser (NM_001271999.2, NM_001330614.2); c.3920A>G, p.Asn1307Ser (NM_001272000.2, NM_001272001.2, NM_033407.4); short protein forms N1307S, N1338S.
Identifiers: ClinVar variation 1367353 (VCV001367353.8), dbSNP rs1467890467, ClinGen allele CA340625363.
Genomic context (GRCh38, chr1:62,513,822, plus strand): 5'-CGGTTTAGCTGCAAGACTGAGAGATCTGTAAACCACTTCTGTAGAACTGTTTCATCTGCA[T>C]TTTTGAGAACCCAAAGTAGACAGATCAAAAGGCTTCGACTTGATTCTGCTGAAAAGGTAG-3'
Protein context (NP_001354490.1, residues 1328-1348): LLICLLWVLK[Asn1338Ser]ADETVLQKWF

ClinVar aggregate classification (germline): Uncertain significance (1 of 4 stars; one submission).

Conditions:
Developmental and epileptic encephalopathy, 23 (DEE23). Also called: Epileptic encephalopathy, early infantile, 23. Identifiers: Orphanet 411986, MedGen C4014492, MONDO:0014371, OMIM 615859.

Allele frequency attached by ClinVar (database versions not stated): gnomAD exomes below 0.00001 and 0.00001.
gnomAD v4.1: 2 of 1,614,132 alleles (0.00012%); highest among the groups gnomAD compares: Admixed American, 0.0033%; no homozygotes.

Submission:

Labcorp Genetics (formerly Invitae), Labcorp
Classification: Uncertain significance for Developmental and epileptic encephalopathy, 23. Last evaluated: 2022-07-19. Review status: criteria provided, single submitter. Criteria: Invitae Variant Classification Sherloc (09022015). Collection method: clinical testing. Allele origin: germline.
Comment: In summary, the available evidence is currently insufficient to determine the role of this variant in disease. Therefore, it has been classified as a Variant of Uncertain Significance. Algorithms developed to predict the effect of sequence changes on RNA splicing suggest that this variant may create or strengthen a splice site. Algorithms developed to predict the effect of missense changes on protein structure and function are either unavailable or do not agree on the potential impact of this missense change (SIFT: "Deleterious"; PolyPhen-2: "Benign"; Align-GVGD: "Class C0"). ClinVar contains an entry for this variant (Variation ID: 1367353). This variant has not been reported in the literature in individuals affected with DOCK7-related conditions. This variant is present in population databases (no rsID available, gnomAD 0.006%). This sequence change replaces asparagine, which is neutral and polar, with serine, which is neutral and polar, at codon 1338 of the DOCK7 protein (p.Asn1338Ser).